The following is an entry in ClinVar:

ClinVar aggregate classification (germline): Likely benign (1 of 4 stars; one submission).

Allele frequency attached by ClinVar (database versions not stated): 1000 Genomes Project 0.00140; TOPMed 0.00413; ExAC 0.00703.

Submission:

CeGaT Center for Human Genetics Tuebingen
Classification: Likely benign. Last evaluated: 2022-11-01. Review status: criteria provided, single submitter. Criteria: CeGaT Center For Human Genetics Tuebingen Variant Classification Criteria Version 2. Collection method: clinical testing. Allele origin: germline. Affected: yes. Observed: 1 variant allele.
Comment: CGB1: BS2

NM_033377.2(CGB1):c.205G>C (p.Ala69Pro)

Gene: CGB1 (chorionic gonadotropin subunit beta 1; minus strand). Cytogenetic location: 19q13.33.
Variant type: single nucleotide variant.
Coding change: c.205G>C on transcript NM_033377.2 (MANE Select); coding-DNA position 205, G replaced by C.
Protein change: p.Ala69Pro; replaces alanine 69 with proline.
Molecular consequence: missense variant.
Genome position (GRCh38, 1-based): chr19:49,035,873, C>G on the plus strand (G>C on the coding strand, the complement: CGB1 is on the minus strand). VCF-style: chr19-49035873-C-G. GRCh37 (hg19) VCF-style: chr19-49539130-C-G.
Other names: c.169G>C, p.Ala57Pro (NM_001382421.1); short protein forms A57P, A69P.
Identifiers: ClinVar variation 2650232 (VCV002650232.24), dbSNP rs574589925, ClinGen allele CA9564917.